The following is an entry in ClinVar:

NM_001081.4(CUBN):c.4169-2A>G

Gene: CUBN (cubilin; minus strand). Cytogenetic location: 10p13.
Variant type: single nucleotide variant.
Coding change: c.4169-2A>G on transcript NM_001081.4 (MANE Select); the canonical splice acceptor site of the intron before coding-DNA position 4169, A replaced by G.
Molecular consequence: splice acceptor variant.
Genome position (GRCh38, 1-based): chr10:16,990,517, T>C on the plus strand (A>G on the coding strand, the complement: CUBN is on the minus strand). VCF-style: chr10-16990517-T-C. GRCh37 (hg19) VCF-style: chr10-17032516-T-C.
Identifiers: ClinVar variation 4719515 (VCV004719515.1).

ClinVar aggregate classification (germline): Likely pathogenic (1 of 4 stars; one submission).

Conditions:
Imerslund-Grasbeck syndrome. Also called: PERNICIOUS ANEMIA, JUVENILE, DUE TO SELECTIVE INTESTINAL MALABSORPTION OF VITAMIN B12, WITH PROTEINURIA; ENTEROCYTE COBALAMIN MALABSORPTION; ENTEROCYTE INTRINSIC FACTOR RECEPTOR, DEFECT OF; Imerslund-Gräsbeck syndrome; Megaloblastic anemia due to inborn errors of metabolism. Identifiers: Orphanet 35858, MedGen C4551825, MONDO:0009853.

gnomAD v4.1: 2 of 1,614,082 alleles (0.00012%); highest among the groups gnomAD compares: Non-Finnish European, 0.00017%; no homozygotes.

Submission:

Labcorp Genetics (formerly Invitae), Labcorp
Classification: Likely pathogenic for Imerslund-Grasbeck syndrome. Last evaluated: 2025-08-14. Review status: criteria provided, single submitter. Criteria: Invitae Variant Classification Sherloc (09022015). Collection method: clinical testing. Allele origin: germline.
Comment: This sequence change affects an acceptor splice site in intron 28 of the CUBN gene. It is expected to disrupt RNA splicing. Variants that disrupt the donor or acceptor splice site typically lead to a loss of protein function (PMID: 16199547), and loss-of-function variants in CUBN are known to be pathogenic (PMID: 15024727, 22929189, 25349199, 31613795, 34979989). This variant is not present in population databases (gnomAD no frequency). This variant has not been reported in the literature in individuals affected with CUBN-related conditions. Algorithms developed to predict the effect of sequence changes on RNA splicing suggest that this variant may disrupt the consensus splice site. In summary, the currently available evidence indicates that the variant is pathogenic, but additional data are needed to prove that conclusively. Therefore, this variant has been classified as Likely Pathogenic.

Literature cited by the submitters: PubMed 16199547; PubMed 15024727; PubMed 22929189; PubMed 25349199; PubMed 31613795; PubMed 34979989.